The following is an entry in ClinVar:

Single allele

Gene: TSC2 (TSC complex subunit 2; plus strand). Cytogenetic location: 16p13.3.
Variant type: Deletion.
Identifiers: ClinVar variation 4533178 (VCV004533178.1).

ClinVar aggregate classification (germline): Pathogenic (1 of 4 stars; one submission).

Submission:

Quest Diagnostics Nichols Institute San Juan Capistrano
Classification: Pathogenic. Last evaluated: 2025-02-22. Review status: criteria provided, single submitter. Criteria: Quest Diagnostics criteria. Collection method: clinical testing. Allele origin: unknown.
Comment: A deletion of exons 1-16 (c.-106_1716) in the TSC2 gene is predicted to disrupt the translation reading frame of the TSC2 mRNA and result in the premature termination of TSC2 protein synthesis. In the published literature, a similar variant has been reported in individuals affected with tuberous sclerosis (PMIDs: 21541650 (2012), 22490766 (2012), 11281455 (2001)). This variant has not been reported in large, multi-ethnic general populations (Genome Aggregation Database). Based on the available information, this variant is classified as pathogenic.